The following is an entry in ClinVar:

NM_001040458.3(ERAP1):c.35C>T (p.Thr12Ile)

Gene: ERAP1 (endoplasmic reticulum aminopeptidase 1; minus strand). Cytogenetic location: 5q15.
Variant type: single nucleotide variant.
Coding change: c.35C>T on transcript NM_001040458.3 (MANE Select); coding-DNA position 35, C replaced by T.
Protein change: p.Thr12Ile; replaces threonine 12 with isoleucine.
Molecular consequence: missense variant.
Genome position (GRCh38, 1-based): chr5:96,803,892, G>A on the plus strand (C>T on the coding strand, the complement: ERAP1 is on the minus strand). VCF-style: chr5-96803892-G-A. GRCh37 (hg19) VCF-style: chr5-96139595-G-A.
Other names: c.35C>T, p.Thr12Ile (NM_001198541.3, NM_001349244.2, NM_016442.5); short protein forms T12I.
Identifiers: ClinVar variation 2688453 (VCV002688453.2), dbSNP rs72773968, ClinGen allele CA3352648.

ClinVar aggregate classification (germline): Benign (1 of 4 stars; one submission).

Allele frequency attached by ClinVar (database versions not stated): 1000 Genomes Project 0.07149; 1000 Genomes Project 30x 0.07214; TOPMed 0.09339; gnomAD 0.09415; ESP Exome Variant Server 0.09834; ExAC 0.11132; gnomAD exomes 0.11976.
gnomAD v4.1: 188,886 of 1,610,544 alleles (12%); highest among the groups gnomAD compares: Admixed American, 13%; 11,969 homozygotes.

Submission:

Unidad de Genómica Garrahan, Hospital de Pediatría Garrahan
Classification: Benign. Last evaluated: 2024-01-24. Review status: criteria provided, single submitter. Criteria: ACMG Guidelines, 2015. Collection method: clinical testing. Allele origin: germline. Affected: no. Observed: 30 variant alleles.
Comment: This variant is classified as Benign based on local population frequency. This variant was detected in 34% of patients studied by a panel of primary immunodeficiencies. Number of patients: 30. Only high quality variants are reported.